The following is an entry in ClinVar:

ClinVar aggregate classification (germline): Uncertain significance (1 of 4 stars; one submission).

Conditions:
Lipoic acid synthetase deficiency. Also called: HYPERGLYCINEMIA, LACTIC ACIDOSIS, AND SEIZURES. Identifiers: Orphanet 401859, MedGen C3280887, MONDO:0013762, OMIM 614462.

Submission:

Labcorp Genetics (formerly Invitae), Labcorp
Classification: Uncertain significance for Lipoic acid synthetase deficiency. Last evaluated: 2024-10-16. Review status: criteria provided, single submitter. Criteria: Invitae Variant Classification Sherloc (09022015). Collection method: clinical testing. Allele origin: germline.
Comment: This sequence change replaces cysteine, which is neutral and slightly polar, with tyrosine, which is neutral and polar, at codon 137 of the LIAS protein (p.Cys137Tyr). This variant is not present in population databases (gnomAD no frequency). This variant has not been reported in the literature in individuals affected with LIAS-related conditions. ClinVar contains an entry for this variant (Variation ID: 2046965). Invitae Evidence Modeling of protein sequence and biophysical properties (such as structural, functional, and spatial information, amino acid conservation, physicochemical variation, residue mobility, and thermodynamic stability) indicates that this missense variant is expected to disrupt LIAS protein function with a positive predictive value of 80%. In summary, the available evidence is currently insufficient to determine the role of this variant in disease. Therefore, it has been classified as a Variant of Uncertain Significance.

NM_006859.4(LIAS):c.410G>A (p.Cys137Tyr)

Gene: LIAS (lipoic acid synthetase; plus strand). Cytogenetic location: 4p14.
Variant type: single nucleotide variant.
Coding change: c.410G>A on transcript NM_006859.4 (MANE Select); coding-DNA position 410, G replaced by A.
Protein change: p.Cys137Tyr; replaces cysteine 137 with tyrosine.
Molecular consequence: missense variant. On other transcripts: intron variant (1).
Genome position (GRCh38, 1-based): chr4:39,465,062, G>A. VCF-style: chr4-39465062-G-A. GRCh37 (hg19) VCF-style: chr4-39466682-G-A.
Other names: c.410G>A, p.Cys137Tyr (NM_001278590.2, NM_194451.3); c.299+1457G>A (NM_001363700.2); short protein forms C137Y.
Identifiers: ClinVar variation 2046965 (VCV002046965.4), dbSNP rs2474999958, ClinGen allele CA356664369.